The following is an entry in ClinVar:

ClinVar aggregate classification (germline): Conflicting classifications of pathogenicity. Review status: criteria provided, conflicting classifications (1 of 4 stars). 6 submissions from 4 submitters: Uncertain significance (4); Likely benign (2). Last evaluated 2024-10-08.

Conditions:
Familial Mediterranean fever (FMF). Also called: Periodic peritonitis; Benign paroxysmal peritonitis; POLYSEROSITIS, FAMILIAL PAROXYSMAL; POLYSEROSITIS, RECURRENT. Identifiers: Orphanet 342, MedGen C0031069, MONDO:0018088, OMIM 249100. Disease mechanism: gain of function.
Familial Mediterranean fever, autosomal dominant. Also called: FMF, AUTOSOMAL DOMINANT; Dominant Familial Mediterranean Fever. Identifiers: Orphanet 342, MedGen C1851347, MONDO:0007601, OMIM 134610.
Acute febrile neutrophilic dermatosis (AFND). Also called: Sweet Syndrome; Gomm Button disease. Identifiers: Orphanet 3243, MedGen C0085077, MONDO:0011959, OMIM 608068.

Allele frequency attached by ClinVar (database versions not stated): gnomAD exomes 0.00001 and 0.00002; TOPMed 0.00003.
gnomAD v4.1: 13 of 1,614,028 alleles (0.00081%); highest among the groups gnomAD compares: East Asian, 0.0067%; no homozygotes.

Submissions (6):

Labcorp Genetics (formerly Invitae), Labcorp
Classification: Uncertain significance for Familial Mediterranean fever. Last evaluated: 2024-10-08. Review status: criteria provided, single submitter. Criteria: Invitae Variant Classification Sherloc (09022015). Collection method: clinical testing. Allele origin: germline.
Comment: This sequence change replaces valine, which is neutral and non-polar, with methionine, which is neutral and non-polar, at codon 67 of the MEFV protein (p.Val67Met). This variant is present in population databases (no rsID available, gnomAD 0.009%). This variant has not been reported in the literature in individuals affected with MEFV-related conditions. ClinVar contains an entry for this variant (Variation ID: 1012389). An algorithm developed to predict the effect of missense changes on protein structure and function (PolyPhen-2) suggests that this variant is likely to be disruptive. In summary, the available evidence is currently insufficient to determine the role of this variant in disease. Therefore, it has been classified as a Variant of Uncertain Significance.

Genome-Nilou Lab
Classification: Uncertain significance for Familial Mediterranean fever. Last evaluated: 2023-02-08. Review status: criteria provided, single submitter. Criteria: ACMG Guidelines, 2015. Collection method: clinical testing. Allele origin: germline.

Genome-Nilou Lab
Classification: Likely benign for Familial Mediterranean fever, autosomal dominant. Last evaluated: 2023-02-08. Review status: criteria provided, single submitter. Criteria: ACMG Guidelines, 2015. Collection method: clinical testing. Allele origin: germline.

Genome-Nilou Lab
Classification: Likely benign for Acute febrile neutrophilic dermatosis. Last evaluated: 2023-02-08. Review status: criteria provided, single submitter. Criteria: ACMG Guidelines, 2015. Collection method: clinical testing. Allele origin: germline.

Fulgent Genetics
Classification: Uncertain significance for Familial Mediterranean fever, autosomal dominant; Familial Mediterranean fever; Acute febrile neutrophilic dermatosis. Last evaluated: 2022-01-18. Review status: criteria provided, single submitter. Criteria: ACMG Guidelines, 2015. Collection method: clinical testing. Allele origin: unknown.

CeGaT Center for Human Genetics Tuebingen
Classification: Uncertain significance. Last evaluated: 2020-07-01. Review status: criteria provided, single submitter. Criteria: CeGaT Center For Human Genetics Tuebingen Variant Classification Criteria Version 2. Collection method: clinical testing. Allele origin: germline. Affected: yes. Observed: 1 variant allele.

NM_000243.3(MEFV):c.199G>A (p.Val67Met)

Gene: MEFV (MEFV innate immunity regulator, pyrin; minus strand). Cytogenetic location: 16p13.3.
Variant type: single nucleotide variant.
Coding change: c.199G>A on transcript NM_000243.3 (MANE Select); coding-DNA position 199, G replaced by A.
Protein change: p.Val67Met; replaces valine 67 with methionine.
Molecular consequence: missense variant.
Genome position (GRCh38, 1-based): chr16:3,256,389, C>T on the plus strand (G>A on the coding strand, the complement: MEFV is on the minus strand). VCF-style: chr16-3256389-C-T. GRCh37 (hg19) VCF-style: chr16-3306389-C-T.
Other names: c.199G>A, p.Val67Met (NM_001198536.2); short protein forms V67M.
Identifiers: ClinVar variation 1012389 (VCV001012389.44), dbSNP rs1422054832, ClinGen allele CA394483782.